The following is an entry in ClinVar:

NM_000093.5(COL5A1):c.5190C>T (p.Phe1730=)

Genes: COL5A1 (collagen type V alpha 1 chain; plus strand), LOC101448202 (uncharacterized LOC101448202; minus strand). Cytogenetic location: 9q34.3.
Variant type: single nucleotide variant.
Coding change: c.5190C>T on transcript NM_000093.5 (MANE Select); coding-DNA position 5190, C replaced by T.
Protein change: p.Phe1730=; no amino-acid change (phenylalanine 1730 retained).
Molecular consequence: synonymous variant.
Genome position (GRCh38, 1-based): chr9:134,835,024, C>T. VCF-style: chr9-134835024-C-T. GRCh37 (hg19) VCF-style: chr9-137726870-C-T.
Other names: p.F1730F:TTC>TTT; p.Phe1730=; c.5190C>T, p.Phe1730= (NM_001278074.1).
Identifiers: ClinVar variation 136912 (VCV000136912.38), dbSNP rs61729481, ClinGen allele CA290314.

ClinVar aggregate classification (germline): Benign/Likely benign. Review status: criteria provided, multiple submitters, no conflicts (2 of 4 stars). 12 submissions from 11 submitters: Benign (10); Likely benign (2). Last evaluated 2026-03-27.

Conditions:
Fibromuscular dysplasia, multifocal. Identifiers: MedGen C5543412, MONDO:0859151, OMIM 619329.
Ehlers-Danlos syndrome, classic type, 1 (EDSCL1). Also called: Ehlers-Danlos syndrome, type 1; Ehlers-Danlos Syndrome, Classic Type, COL5A1-Related; EDS I; EHLERS-DANLOS SYNDROME, GRAVIS TYPE; EHLERS-DANLOS SYNDROME, SEVERE CLASSIC TYPE. Identifiers: MedGen C0268335, MONDO:0019567, OMIM 130000.
Ehlers-Danlos syndrome (EDS). Identifiers: Orphanet 98249, MedGen C0013720, MONDO:0020066.
Familial thoracic aortic aneurysm and aortic dissection (TAAD). Also called: Thoracic aortic aneurysms and dissections. Identifiers: Orphanet 91387, MedGen C4707243, MONDO:0019625.

Allele frequency attached by ClinVar (database versions not stated): gnomAD exomes 0.00281; gnomAD 0.01170 and 0.01084; TOPMed 0.01285; ESP Exome Variant Server 0.01161; 1000 Genomes Project 30x 0.01374; ExAC 0.00350; 1000 Genomes Project 0.01258.
gnomAD v4.1: 3,181 of 1,613,568 alleles (0.2%); highest among the groups gnomAD compares: African/African-American, 3.7%; 54 homozygotes.

Submissions (12):

Molecular Diagnostic Laboratory for Inherited Cardiovascular Disease, Montreal Heart Institute
Classification: Benign. Last evaluated: 2026-03-27. Review status: criteria provided, single submitter. Criteria: ACMG Guidelines, 2015. Collection method: clinical testing. Allele origin: germline. Affected: no.

Labcorp Genetics (formerly Invitae), Labcorp
Classification: Benign for Ehlers-Danlos syndrome, classic type, 1. Last evaluated: 2026-02-02. Review status: criteria provided, single submitter. Criteria: Invitae Variant Classification Sherloc (09022015). Collection method: clinical testing. Allele origin: germline.

ARUP Laboratories, Molecular Genetics and Genomics, ARUP Laboratories
Classification: Benign. Last evaluated: 2025-01-27. Review status: criteria provided, single submitter. Criteria: ARUP Molecular Germline Variant Investigation Process 2024. Collection method: clinical testing. Allele origin: germline.

Women's Health and Genetics/Laboratory Corporation of America, LabCorp
Classification: Benign. Last evaluated: 2023-07-21. Review status: criteria provided, single submitter. Criteria: LabCorp Variant Classification Summary - May 2015. Collection method: clinical testing. Allele origin: germline.

Genome Diagnostics Laboratory, The Hospital for Sick Children
Classification: Likely benign for Ehlers-Danlos syndrome. Last evaluated: 2022-03-15. Review status: criteria provided, single submitter. Criteria: ACMG Guidelines, 2015. Collection method: clinical testing. Allele origin: germline.

Genome-Nilou Lab
Classification: Benign for Ehlers-Danlos syndrome, classic type, 1. Last evaluated: 2022-03-15. Review status: criteria provided, single submitter. Criteria: ACMG Guidelines, 2015. Collection method: clinical testing. Allele origin: germline. Affected: no.

Genome-Nilou Lab
Classification: Benign for Fibromuscular dysplasia, multifocal. Last evaluated: 2022-03-15. Review status: criteria provided, single submitter. Criteria: ACMG Guidelines, 2015. Collection method: clinical testing. Allele origin: germline. Affected: no.

Mayo Clinic Laboratories, Mayo Clinic
Classification: Benign. Last evaluated: 2017-12-01. Review status: criteria provided, single submitter. Criteria: ACMG Guidelines, 2015. Collection method: clinical testing. Allele origin: germline. Observed: 14 variant alleles.

Ambry Genetics
Classification: Benign for Familial thoracic aortic aneurysm and aortic dissection. Last evaluated: 2015-09-09. Review status: criteria provided, single submitter. Criteria: Ambry Variant Classification Scheme 2023. Collection method: clinical testing. Allele origin: germline.

GeneDx
Classification: Benign. Last evaluated: 2013-02-25. Review status: criteria provided, single submitter. Criteria: GeneDx Variant Classification (06012015). Collection method: clinical testing. Allele origin: germline. Affected: yes.
Comment: This variant is considered likely benign or benign based on one or more of the following criteria: it is a conservative change, it occurs at a poorly conserved position in the protein, it is predicted to be benign by multiple in silico algorithms, and/or has population frequency not consistent with disease.

Breakthrough Genomics
Classification: Likely benign. Review status: criteria provided, single submitter. Criteria: ACMG Guidelines, 2015. Collection method: not provided. Allele origin: germline. Inheritance: Autosomal dominant inheritance. Affected: yes.

PreventionGenetics, part of Exact Sciences
Classification: Benign. Review status: criteria provided, single submitter. Criteria: ACMG Guidelines, 2015. Collection method: clinical testing. Allele origin: germline.